The following is an entry in ClinVar:

ClinVar aggregate classification (germline): Likely benign (0 of 4 stars; one submission).

Conditions:
LEPR-related disorder. Also called: LEPR-related condition; LEPR-related disorders.

Submission:

PreventionGenetics, part of Exact Sciences
Classification: Likely benign for LEPR-related condition. Last evaluated: 2024-04-18. Review status: no assertion criteria provided. Collection method: clinical testing. Allele origin: germline.
Comment: This variant is classified as likely benign based on ACMG/AMP sequence variant interpretation guidelines (Richards et al. 2015 PMID: 25741868, with internal and published modifications).

NM_002303.6(LEPR):c.33A>G (p.Leu11=)

Gene: LEPR (leptin receptor; plus strand). Cytogenetic location: 1p31.3.
Variant type: single nucleotide variant.
Coding change: c.33A>G on transcript NM_002303.6 (MANE Select); coding-DNA position 33, A replaced by G.
Protein change: p.Leu11=; no amino-acid change (leucine 11 retained).
Molecular consequence: synonymous variant.
Genome position (GRCh38, 1-based): chr1:65,565,598, A>G. VCF-style: chr1-65565598-A-G. GRCh37 (hg19) VCF-style: chr1-66031281-A-G.
Other names: c.33A>G, p.Leu11= (NM_001003679.3, NM_001003680.3, NM_001198687.2 and 2 more transcripts).
Identifiers: ClinVar variation 3344632 (VCV003344632.1).